The following is an entry in ClinVar:

ClinVar aggregate classification (germline): Uncertain significance. Review status: criteria provided, multiple submitters, no conflicts (2 of 4 stars). 2 submissions from 2 submitters: Uncertain significance (2). Last evaluated 2025-07-10.

Conditions:
Hereditary cancer-predisposing syndrome. Also called: Hereditary neoplastic syndrome; Neoplastic Syndromes, Hereditary; Hereditary Cancer Syndrome; Tumor predisposition. Identifiers: Orphanet 140162, MedGen C0027672, MeSH D009386, MONDO:0015356.
Hereditary nonpolyposis colorectal neoplasms. Identifiers: MedGen C0009405, MeSH D003123.

Allele frequency attached by ClinVar (database versions not stated): TOPMed 0.00002.

Submissions (2):

Ambry Genetics
Classification: Uncertain significance for Hereditary cancer-predisposing syndrome. Last evaluated: 2025-07-10. Review status: criteria provided, single submitter. Criteria: Ambry Variant Classification Scheme 2023. Collection method: clinical testing. Allele origin: germline.
Comment: The p.K22Q variant (also known as c.64A>C), located in coding exon 1 of the MSH6 gene, results from an A to C substitution at nucleotide position 64. The lysine at codon 22 is replaced by glutamine, an amino acid with similar properties. This amino acid position is not well conserved in available vertebrate species. In addition, this alteration is predicted to be tolerated by in silico analysis. Based on the available evidence, the clinical significance of this variant remains unclear.

Labcorp Genetics (formerly Invitae), Labcorp
Classification: Uncertain significance for Hereditary nonpolyposis colorectal neoplasms. Last evaluated: 2021-08-17. Review status: criteria provided, single submitter. Criteria: Invitae Variant Classification Sherloc (09022015). Collection method: clinical testing. Allele origin: germline.
Comment: In summary, the available evidence is currently insufficient to determine the role of this variant in disease. Therefore, it has been classified as a Variant of Uncertain Significance. Advanced modeling of protein sequence and biophysical properties (such as structural, functional, and spatial information, amino acid conservation, physicochemical variation, residue mobility, and thermodynamic stability) performed at Invitae indicates that this missense variant is not expected to disrupt MSH6 protein function. This variant has not been reported in the literature in individuals affected with MSH6-related conditions. This variant is not present in population databases (ExAC no frequency). This sequence change replaces lysine with glutamine at codon 22 of the MSH6 protein (p.Lys22Gln). The lysine residue is moderately conserved and there is a small physicochemical difference between lysine and glutamine.

NM_000179.3(MSH6):c.64A>C (p.Lys22Gln)

Gene: MSH6 (mutS homolog 6; plus strand). Cytogenetic location: 2p16.3.
Variant type: single nucleotide variant.
Coding change: c.64A>C on transcript NM_000179.3 (MANE Select); coding-DNA position 64, A replaced by C.
Protein change: p.Lys22Gln; replaces lysine 22 with glutamine.
Molecular consequence: missense variant. On other transcripts: 5 prime UTR variant (1).
Genome position (GRCh38, 1-based): chr2:47,783,297, A>C. VCF-style: chr2-47783297-A-C. GRCh37 (hg19) VCF-style: chr2-48010436-A-C.
Other names: c.64A>C, p.Lys22Gln (NM_001281492.2); c.-673A>C (NM_001281493.2); c.64A>C (NM_000179.2); short protein forms K22Q.
Identifiers: ClinVar variation 1487629 (VCV001487629.7), dbSNP rs1060502897, ClinGen allele CA346734574.